The following is an entry in ClinVar:

NM_004360.5(CDH1):c.1618G>A (p.Gly540Ser)

Gene: CDH1 (cadherin 1; plus strand). Cytogenetic location: 16q22.1.
Variant type: single nucleotide variant.
Coding change: c.1618G>A on transcript NM_004360.5 (MANE Select); coding-DNA position 1618, G replaced by A.
Protein change: p.Gly540Ser; replaces glycine 540 with serine.
Molecular consequence: missense variant. On other transcripts: intron variant (1).
Genome position (GRCh38, 1-based): chr16:68,819,332, G>A. VCF-style: chr16-68819332-G-A. GRCh37 (hg19) VCF-style: chr16-68853235-G-A.
Other names: c.1435G>A, p.Gly479Ser (NM_001317184.2); c.70G>A, p.Gly24Ser (NM_001317185.2); c.-254-2669G>A (NM_001317186.2); short protein forms G540S, G24S, G479S.
Identifiers: ClinVar variation 2178246 (VCV002178246.8), dbSNP rs2152136841, ClinGen allele CA396465084.

ClinVar aggregate classification (germline): Uncertain significance. Review status: criteria provided, multiple submitters, no conflicts (2 of 4 stars). 2 submissions from 2 submitters: Uncertain significance (2). Last evaluated 2026-06-17.

Conditions:
Hereditary diffuse gastric adenocarcinoma (HDGC). Also called: DIFFUSE GASTRIC AND LOBULAR BREAST CANCER SYNDROME. Identifiers: Orphanet 26106, MedGen C1708349, MONDO:0007648, OMIM 137215.
Hereditary cancer-predisposing syndrome. Also called: Tumor predisposition; Hereditary Cancer Syndrome; Hereditary neoplastic syndrome; Neoplastic Syndromes, Hereditary. Identifiers: Orphanet 140162, MedGen C0027672, MeSH D009386, MONDO:0015356.

Allele frequency attached by ClinVar (database versions not stated): gnomAD exomes below 0.00001.
gnomAD v4.1: 1 of 1,614,138 alleles (0.000062%); highest among the groups gnomAD compares: Non-Finnish European, 0.000085%; no homozygotes.

Submissions (2):

Ambry Genetics
Classification: Uncertain significance for Hereditary cancer-predisposing syndrome. Last evaluated: 2026-06-17. Review status: criteria provided, single submitter. Criteria: Ambry Variant Classification Scheme 2023. Collection method: clinical testing. Allele origin: germline.
Comment: The p.G540S variant (also known as c.1618G>A), located in coding exon 11 of the CDH1 gene, results from a G to A substitution at nucleotide position 1618. The glycine at codon 540 is replaced by serine, an amino acid with similar properties. This amino acid position is highly conserved in available vertebrate species. In addition, this alteration is predicted to be deleterious by in silico analysis. Based on the available evidence, the clinical significance of this variant remains unclear.

Labcorp Genetics (formerly Invitae), Labcorp
Classification: Uncertain significance for Hereditary diffuse gastric adenocarcinoma. Last evaluated: 2025-08-28. Review status: criteria provided, single submitter. Criteria: Invitae Variant Classification Sherloc (09022015). Collection method: clinical testing. Allele origin: germline.
Comment: This sequence change replaces glycine, which is neutral and non-polar, with serine, which is neutral and polar, at codon 540 of the CDH1 protein (p.Gly540Ser). This variant is not present in population databases (gnomAD no frequency). This missense change has been observed in individual(s) with CDH1-related conditions (PMID: 27443514). ClinVar contains an entry for this variant (Variation ID: 2178246). An algorithm developed to predict the effect of missense changes on protein structure and function (PolyPhen-2) suggests that this variant is likely to be disruptive. In summary, the available evidence is currently insufficient to determine the role of this variant in disease. Therefore, it has been classified as a Variant of Uncertain Significance.

Literature cited by the submitters: PubMed 27443514 (cited by Ambry Genetics and Labcorp Genetics (formerly Invitae), Labcorp); PubMed 33471991 (cited by Ambry Genetics).